The following is an entry in ClinVar:

NM_018062.4(FANCL):c.933T>A (p.Tyr311Ter)

Gene: FANCL (FA complementation group L; minus strand). Cytogenetic location: 2p16.1.
Variant type: single nucleotide variant.
Coding change: c.933T>A on transcript NM_018062.4 (MANE Select); coding-DNA position 933, T replaced by A.
Protein change: p.Tyr311Ter; replaces tyrosine 311 with a stop codon.
Molecular consequence: nonsense.
Genome position (GRCh38, 1-based): chr2:58,161,609, A>T on the plus strand (T>A on the coding strand, the complement: FANCL is on the minus strand). VCF-style: chr2-58161609-A-T. GRCh37 (hg19) VCF-style: chr2-58388744-A-T.
Other names: c.948T>A, p.Tyr316Ter (NM_001114636.2); c.978T>A, p.Tyr326Ter (NM_001374615.1); c.993T>A, p.Tyr331Ter (NM_001410792.1); short protein forms Y326*, Y316*, Y311*, Y331*.
Identifiers: ClinVar variation 1460344 (VCV001460344.6), dbSNP rs1423411761, ClinGen allele CA346933188.
Genomic context (GRCh38, chr2:58,161,609, plus strand): 5'-TTGTCCACACTGAGAATTATCACACACTTGATCAGGAATGGTACCGTCAAGTTGATAAGC[A>T]TAACAAATTCCACAATCCATAGTAAAATCCTTCAAAAGAAAAATATTTATAAAAAGCGTA-3'

ClinVar aggregate classification (germline): Pathogenic (1 of 4 stars; one submission).

Conditions:
Fanconi anemia (FA). Also called: Fanconi's anemia. Identifiers: Orphanet 84, MedGen C0015625, MeSH D005199, MONDO:0019391.

Submission:

Labcorp Genetics (formerly Invitae), Labcorp
Classification: Pathogenic for Fanconi anemia. Last evaluated: 2024-11-05. Review status: criteria provided, single submitter. Criteria: Invitae Variant Classification Sherloc (09022015). Collection method: clinical testing. Allele origin: germline.
Comment: This sequence change creates a premature translational stop signal (p.Tyr311*) in the FANCL gene. It is expected to result in an absent or disrupted protein product. Loss-of-function variants in FANCL are known to be pathogenic (PMID: 19405097, 23613520). This variant is not present in population databases (gnomAD no frequency). This premature translational stop signal has been observed in individual(s) with colorectal cancer (PMID: 29478780). This variant is also known as p.Tyr316*. ClinVar contains an entry for this variant (Variation ID: 1460344). For these reasons, this variant has been classified as Pathogenic.

Literature cited by the submitters: PubMed 19405097; PubMed 23613520; PubMed 29478780.